The following is an entry in ClinVar:

ClinVar aggregate classification (germline): Uncertain significance (1 of 4 stars; one submission).

Conditions:
Autosomal recessive mendelian susceptibility to mycobacterial diseases due to complete RORgamma receptor deficiency. Also called: Immunodeficiency 42. Identifiers: Orphanet 477857, MedGen C5567647, MONDO:0014710, OMIM 616622.

Submission:

Labcorp Genetics (formerly Invitae), Labcorp
Classification: Uncertain significance for Autosomal recessive mendelian susceptibility to mycobacterial diseases due to complete RORgamma receptor deficiency. Last evaluated: 2022-10-11. Review status: criteria provided, single submitter. Criteria: Invitae Variant Classification Sherloc (09022015). Collection method: clinical testing. Allele origin: germline.
Comment: In summary, the available evidence is currently insufficient to determine the role of this variant in disease. Therefore, it has been classified as a Variant of Uncertain Significance. Algorithms developed to predict the effect of sequence changes on RNA splicing suggest that this variant may create or strengthen a splice site. Algorithms developed to predict the effect of missense changes on protein structure and function are either unavailable or do not agree on the potential impact of this missense change (SIFT: "Deleterious"; PolyPhen-2: "Possibly Damaging"; Align-GVGD: "Class C0"). This variant has not been reported in the literature in individuals affected with RORC-related conditions. This variant is not present in population databases (gnomAD no frequency). This sequence change replaces glutamine, which is neutral and polar, with glutamic acid, which is acidic and polar, at codon 25 of the RORC protein (p.Gln25Glu).

NM_005060.4(RORC):c.73C>G (p.Gln25Glu)

Gene: RORC (RAR related orphan receptor C; minus strand). Cytogenetic location: 1q21.3.
Variant type: single nucleotide variant.
Coding change: c.73C>G on transcript NM_005060.4 (MANE Select); coding-DNA position 73, C replaced by G.
Protein change: p.Gln25Glu; replaces glutamine 25 with glutamic acid.
Molecular consequence: missense variant.
Genome position (GRCh38, 1-based): chr1:151,817,278, G>C on the plus strand (C>G on the coding strand, the complement: RORC is on the minus strand). VCF-style: chr1-151817278-G-C. GRCh37 (hg19) VCF-style: chr1-151789754-G-C.
Other names: c.10C>G, p.Gln4Glu (NM_001001523.2); short protein forms Q25E, Q4E.
Identifiers: ClinVar variation 2109100 (VCV002109100.4), dbSNP rs2525633510, ClinGen allele CA342020868.